The following is an entry in ClinVar:

NM_014813.3(LRIG2):c.2799A>G (p.Thr933=)

Gene: LRIG2 (leucine rich repeats and immunoglobulin like domains 2; plus strand). Cytogenetic location: 1p13.2.
Variant type: single nucleotide variant.
Coding change: c.2799A>G on transcript NM_014813.3 (MANE Select); coding-DNA position 2799, A replaced by G.
Protein change: p.Thr933=; no amino-acid change (threonine 933 retained).
Molecular consequence: synonymous variant.
Genome position (GRCh38, 1-based): chr1:113,119,351, A>G. VCF-style: chr1-113119351-A-G. GRCh37 (hg19) VCF-style: chr1-113661973-A-G.
Other names: c.2490A>G, p.Thr830= (NM_001312686.2).
Identifiers: ClinVar variation 708509 (VCV000708509.11), dbSNP rs143661098, ClinGen allele CA1012347.

ClinVar aggregate classification (germline): Likely benign. Review status: criteria provided, multiple submitters, no conflicts (2 of 4 stars). 2 submissions from 2 submitters: Likely benign (2). Last evaluated 2025-10-01.

Allele frequency attached by ClinVar (database versions not stated): 1000 Genomes Project 0.00040; 1000 Genomes Project 30x 0.00047; ESP Exome Variant Server 0.00054; gnomAD 0.00073 and 0.00079; ExAC 0.00082; gnomAD exomes 0.00093 and 0.00097; TOPMed 0.00093.
gnomAD v4.1: 1,546 of 1,613,968 alleles (0.096%); highest among the groups gnomAD compares: Admixed American, 0.22%; 3 homozygotes.

Submissions (2):

CeGaT Center for Human Genetics Tuebingen
Classification: Likely benign. Last evaluated: 2025-10-01. Review status: criteria provided, single submitter. Criteria: CeGaT Center For Human Genetics Tuebingen Variant Classification Criteria Version 2. Collection method: clinical testing. Allele origin: germline. Affected: yes. Observed: 1 variant allele.
Comment: LRIG2: BP4, BP7

Labcorp Genetics (formerly Invitae), Labcorp
Classification: Likely benign. Last evaluated: 2019-12-31. Review status: criteria provided, single submitter. Criteria: Invitae Variant Classification Sherloc (09022015). Collection method: clinical testing. Allele origin: germline.